The following is an entry in ClinVar:

ClinVar aggregate classification (germline): Pathogenic. Review status: criteria provided, multiple submitters, no conflicts (2 of 4 stars). 8 submissions from 8 submitters: Pathogenic (5). 3 of the submissions do not count toward it. Last evaluated 2026-05-05.

Conditions:
Neuropathy, hereditary sensory and autonomic, type 1A (HSAN1A). Also called: NEUROPATHY, HEREDITARY SENSORY AND AUTONOMIC, TYPE IA; SPTLC1-Related Hereditary Sensory Neuropathy; HSAN IA; HSN IA; NEUROPATHY, HEREDITARY SENSORY RADICULAR, AUTOSOMAL DOMINANT, TYPE 1A. Identifiers: MedGen C5235211, MONDO:0008086, OMIM 162400.
Inborn genetic diseases. Identifiers: MedGen C0950123, MeSH D030342.
Charcot-Marie-Tooth disease. Also called: Charcot-Marie-Tooth Neuropathy; Charcot-Marie-Tooth Hereditary Neuropathy. Identifiers: Orphanet 166, MedGen C0007959, MONDO:0015626.
Hereditary sensory and autonomic neuropathy type 1 (HSAN1). Also called: HSN Type I; HSAN 1; Hereditary Sensory Neuropathy Type I. Identifiers: Orphanet 36386, MedGen C0020071, MONDO:0018213.

Submissions (8):

Ambry Genetics
Classification: Pathogenic for Inborn genetic diseases. Last evaluated: 2026-05-05. Review status: criteria provided, single submitter. Criteria: Ambry Variant Classification Scheme 2023. Collection method: clinical testing. Allele origin: germline.
Comment: The c.398G>A (p.C133Y) alteration is located in exon 5 (coding exon 5) of the SPTLC1 gene. This alteration results from a G to A substitution at nucleotide position 398, causing the cysteine (C) at amino acid position 133 to be replaced by a tyrosine (Y). for SPTLC1-related hereditary sensory and autonomic neuropathy; however, its clinical significance for SPTLC1-related juvenile amyotrophic lateral sclerosis is uncertain This variant was not reported in population-based cohorts in the Genome Aggregation Database (gnomAD). This alteration has been reported to segregate with disease in multiple families with hereditary sensory neuropathy and is one of the most common mutations in SPTLC1 (Bejaoui 2001; Dawkins, 2001; Geraldes 2004; Fridman, 2015). This amino acid position is highly conserved in available vertebrate species. Experimental studies showed that this alteration results in significantly increased synthesis of 1-deoxy-sphingolipids and that accumulation of this neurotoxic metabolite is the pathological mechanism in HSAN1 (Bejaoui, 2001; Penno, 2010; Bode, 2016). In another study, in vitro overexpression of the C133Y mutant resulted in a 50% reduction in serine palmitoyltransferase (SPT) activity (Hornemann, 2009). Bejaoui, et al., 2002, showed that this mutation confers dominant negative effects on SPT activity in various cell types including cultured lymphocytes from HSN1 patients. This alteration is predicted to be deleterious by in silico analysis. Based on the available evidence, this alteration is classified as pathogenic.

Labcorp Genetics (formerly Invitae), Labcorp
Classification: Pathogenic for Hereditary sensory and autonomic neuropathy type 1. Last evaluated: 2025-09-29. Review status: criteria provided, single submitter. Criteria: Invitae Variant Classification Sherloc (09022015). Collection method: clinical testing. Allele origin: germline.
Comment: This sequence change replaces cysteine, which is neutral and slightly polar, with tyrosine, which is neutral and polar, at codon 133 of the SPTLC1 protein (p.Cys133Tyr). This variant is not present in population databases (gnomAD no frequency). This missense change has been observed in individuals with hereditary sensory neuropathy (PMID: 11242106, 11242114, 15546589). It has also been observed to segregate with disease in related individuals. ClinVar contains an entry for this variant (Variation ID: 4800). Invitae Evidence Modeling of protein sequence and biophysical properties (such as structural, functional, and spatial information, amino acid conservation, physicochemical variation, residue mobility, and thermodynamic stability) indicates that this missense variant is expected to disrupt SPTLC1 protein function with a positive predictive value of 80%. Experimental studies have shown that this missense change affects SPTLC1 function (PMID: 12417569, 19132419, 20097765, 26681808). For these reasons, this variant has been classified as Pathogenic.

Mayo Clinic Laboratories, Mayo Clinic
Classification: Pathogenic. Last evaluated: 2025-08-20. Review status: criteria provided, single submitter. Criteria: ACMG Guidelines, 2015. Collection method: clinical testing. Allele origin: germline. Observed: 1 variant allele.
Comment: PP1_strong, PP3_moderate, PM2_supporting, PM5, PS3_supporting, PS4

Women's Health and Genetics/Laboratory Corporation of America, LabCorp
Classification: Pathogenic for Neuropathy, hereditary sensory and autonomic, type 1A. Last evaluated: 2025-07-29. Review status: criteria provided, single submitter. Criteria: LabCorp Variant Classification Summary - May 2015. Collection method: clinical testing. Allele origin: germline.
Comment: Variant summary: SPTLC1 c.398G>A (p.Cys133Tyr) results in a non-conservative amino acid change in the encoded protein sequence. Algorithms developed to predict the effect of missense changes on protein structure and function all suggest that this variant is likely to be disruptive. The variant was absent in 251374 control chromosomes. c.398G>A has been observed in multiple individuals affected with Neuropathy, hereditary sensory and autonomic, type 1A (example: Dawkins_2001, Bejaoui_2001, Geraldes_2004). These data indicate that the variant is very likely to be associated with disease. The following publications have been ascertained in the context of this evaluation (PMID: 15546589, 11242114, 11242106). ClinVar contains an entry for this variant (Variation ID: 4800). Based on the evidence outlined above, the variant was classified as pathogenic.

Athena Diagnostics
Classification: Pathogenic. Last evaluated: 2023-11-27. Review status: criteria provided, single submitter. Criteria: Athena Diagnostics Criteria. Collection method: clinical testing. Allele origin: unknown.
Comment: This variant associates with HSAN in multiple families (PMID: 11242106, 15546589, 31509666). This variant has not been reported in large, multi-ethnic general populations. At least one other missense variant at this codon is considered to be pathogenic or likely pathogenic, suggesting this variant may also cause disease. Assessment of experimental evidence suggests this variant results in abnormal protein function. (PMID: 12417569, 20097765, 26681808)

OMIM
Classification: Pathogenic for NEUROPATHY, HEREDITARY SENSORY, TYPE IA. Last evaluated: 2001-03-01. Review status: no assertion criteria provided. Collection method: literature only. Allele origin: germline. Not counted in ClinVar's aggregate classification.

GeneReviews
No classification provided. Condition: Neuropathy, hereditary sensory and autonomic, type 1A. Review status: no classification provided. Collection method: literature only. Allele origin: unknown. Not counted in ClinVar's aggregate classification.

Inherited Neuropathy Consortium
Classification: Uncertain significance for Charcot-Marie-Tooth disease. Review status: no assertion criteria provided. Collection method: provider interpretation. Allele origin: inherited. Affected: yes. Not counted in ClinVar's aggregate classification.

Literature cited by the submitters: PubMed 11242106 (cited by 5 submitters); PubMed 11242114 (cited by 6 submitters); PubMed 12417569 (cited by 4 submitters); PubMed 15546589 (cited by 5 submitters); PubMed 19132419 (cited by 4 submitters); PubMed 20097765 (cited by 4 submitters); PubMed 25042817 (cited by Ambry Genetics and Athena Diagnostics); PubMed 26681808 (cited by 4 submitters); PubMed 31509666 (cited by 3 submitters); PubMed 35837722 (cited by Mayo Clinic Laboratories, Mayo Clinic and Athena Diagnostics); PubMed 38041684 (cited by Mayo Clinic Laboratories, Mayo Clinic); PubMed 10025779 (cited by Athena Diagnostics); PubMed 11479835 (cited by Athena Diagnostics); PubMed 33758422 (cited by Athena Diagnostics); PubMed 36997154 (cited by Athena Diagnostics); PubMed 20301564 (cited by GeneReviews); NCBI Bookshelf NBK1390 (cited by GeneReviews).

NM_006415.4(SPTLC1):c.398G>A (p.Cys133Tyr)

Gene: SPTLC1 (serine palmitoyltransferase long chain base subunit 1; minus strand). Cytogenetic location: 9q22.31.
Variant type: single nucleotide variant.
Coding change: c.398G>A on transcript NM_006415.4 (MANE Select); coding-DNA position 398, G replaced by A.
Protein change: p.Cys133Tyr; replaces cysteine 133 with tyrosine.
Molecular consequence: missense variant. On other transcripts: 5 prime UTR variant (2).
Genome position (GRCh38, 1-based): chr9:92,080,045, C>T on the plus strand (G>A on the coding strand, the complement: SPTLC1 is on the minus strand). VCF-style: chr9-92080045-C-T. GRCh37 (hg19) VCF-style: chr9-94842327-C-T.
Other names: c.398G>A, p.Cys133Tyr (NM_001281303.2, NM_178324.3, LRG_272t1); c.-102G>A (NM_001368272.1); c.-68G>A (NM_001368273.1); short protein forms C133Y.
Identifiers: ClinVar variation 4800 (VCV000004800.22), dbSNP rs119482081, ClinGen allele CA340286.